The following is an entry in ClinVar:

NM_001378964.1(CDON):c.1824C>A (p.Ile608=)

Gene: CDON (cell adhesion associated, oncogene regulated; minus strand). Cytogenetic location: 11q24.2.
Variant type: single nucleotide variant.
Coding change: c.1824C>A on transcript NM_001378964.1 (MANE Select); coding-DNA position 1824, C replaced by A.
Protein change: p.Ile608=; no amino-acid change (isoleucine 608 retained).
Molecular consequence: synonymous variant.
Genome position (GRCh38, 1-based): chr11:126,005,786, G>T on the plus strand (C>A on the coding strand, the complement: CDON is on the minus strand). VCF-style: chr11-126005786-G-T. GRCh37 (hg19) VCF-style: chr11-125875681-G-T.
Other names: c.1824C>A, p.Ile608= (NM_001243597.3, NM_016952.6).
Identifiers: ClinVar variation 3052645 (VCV003052645.2), dbSNP rs1203653471, ClinGen allele CA477699690.

ClinVar aggregate classification (germline): Likely benign (0 of 4 stars; one submission).

Conditions:
CDON-related disorder. Also called: CDON-related condition.

Submission:

PreventionGenetics, part of Exact Sciences
Classification: Likely benign for CDON-related condition. Last evaluated: 2023-02-13. Review status: no assertion criteria provided. Collection method: clinical testing. Allele origin: germline.
Comment: This variant is classified as likely benign based on ACMG/AMP sequence variant interpretation guidelines (Richards et al. 2015 PMID: 25741868, with internal and published modifications).